The following is an entry in ClinVar:

NM_000059.4(BRCA2):c.7388del (p.Asn2463fs)

Gene: BRCA2 (BRCA2 DNA repair associated; plus strand). Cytogenetic location: 13q13.1.
Variant type: Deletion.
Coding change: c.7388del on transcript NM_000059.4 (MANE Select); coding-DNA position 7388, one base deleted (A; older notation c.7388delA).
Protein change: p.Asn2463fs; shifts the reading frame from asparagine 2463.
Molecular consequence: frameshift variant.
Genome position (GRCh38, 1-based): chr13:32,355,241, A deleted; the last of 2 consecutive A bases (chr13:32,355,240-32,355,241); deleting either gives the same sequence. VCF-style (leftmost placement, unchanged base first): chr13-32355239-CA-C. GRCh37 (hg19) VCF-style: chr13-32929376-CA-C.
Other names: c.7388delA (NM_000059.3); short protein forms N2463fs.
Identifiers: ClinVar variation 545894 (VCV000545894.10), dbSNP rs1555286098, ClinGen allele CA658823739.
Genomic context (GRCh38, chr13:32,355,239, plus strand): 5'-TGATGATAGTAAAAATAAGATTAATGACAATGAGATTCATCAGTTTAACAAAAACAACTC[CA>C]ATCAAGCAGTAGCTGTAACTTTCACAAAGTGTGAAGAAGAACCTTTAGGTATTGTATGAC-3'

ClinVar aggregate classification (germline): Pathogenic. Review status: criteria provided, multiple submitters, no conflicts (2 of 4 stars). 3 submissions from 3 submitters: Pathogenic (3). Last evaluated 2022-01-20.

Conditions:
Hereditary breast ovarian cancer syndrome. Also called: Hereditary breast and ovarian cancer; Hereditary breast and/or ovarian cancer syndrome; Hereditary breast and ovarian cancer syndrome; Hereditary breast and ovarian cancer syndrome (HBOC); Breast and ovarian cancer; BRCA1- and BRCA2-Associated Hereditary Breast and Ovarian Cancer. Identifiers: Orphanet 145, MedGen C0677776, MeSH D061325, MONDO:0003582. Disease mechanism: loss of function.
Hereditary cancer-predisposing syndrome. Also called: Neoplastic Syndromes, Hereditary; Hereditary Cancer Syndrome; Tumor predisposition; Hereditary neoplastic syndrome. Identifiers: Orphanet 140162, MedGen C0027672, MeSH D009386, MONDO:0015356.

Submissions (3):

Color Diagnostics, LLC DBA Color Health
Classification: Pathogenic for Hereditary cancer-predisposing syndrome. Last evaluated: 2022-01-20. Review status: criteria provided, single submitter. Criteria: ACMG Guidelines, 2015. Collection method: clinical testing. Allele origin: germline.
Comment: This variant deletes 1 nucleotide in exon 14 of the BRCA2 gene, creating a frameshift and premature translation stop signal. This variant is expected to result in an absent or non-functional protein product. To our knowledge, this variant has not been reported in individuals affected with hereditary cancer in the literature. This variant has not been identified in the general population by the Genome Aggregation Database (gnomAD). Loss of BRCA2 function is a known mechanism of disease. Based on the available evidence, this variant is classified as Pathogenic.

Labcorp Genetics (formerly Invitae), Labcorp
Classification: Pathogenic for Hereditary breast ovarian cancer syndrome. Last evaluated: 2021-11-15. Review status: criteria provided, single submitter. Criteria: Invitae Variant Classification Sherloc (09022015). Collection method: clinical testing. Allele origin: germline.
Comment: This sequence change creates a premature translational stop signal (p.Asn2463Ilefs*6) in the BRCA2 gene. It is expected to result in an absent or disrupted protein product. Loss-of-function variants in BRCA2 are known to be pathogenic (PMID: 20104584). This variant is not present in population databases (gnomAD no frequency). This variant has not been reported in the literature in individuals affected with BRCA2-related conditions. ClinVar contains an entry for this variant (Variation ID: 545894). For these reasons, this variant has been classified as Pathogenic.

GeneDx
Classification: Pathogenic. Last evaluated: 2018-03-28. Review status: criteria provided, single submitter. Criteria: GeneDx Variant Classification (06012015). Collection method: clinical testing. Allele origin: germline. Affected: yes.
Comment: This deletion of one nucleotide in BRCA2 is denoted c.7388delA at the cDNA level and p.Asn2463IlefsX6 (N2463IfsX6) at the protein level. The normal sequence, with the base that is deleted in brackets, is TCCA[delA]TCAA. Using alternate nomenclature, this variant would be defined as BRCA2 7616delA. The deletion causes a frameshift which changes an Asparagine to an Isoleucine at codon 2463, and creates a premature stop codon at position 6 of the new reading frame. Although this variant has not, to our knowledge, been reported in the literature, it is predicted to cause loss of normal protein function through either protein truncation or nonsense-mediated mRNA decay. We consider this variant to be pathogenic.

Literature cited by the submitters: PubMed 20104584 (cited by Labcorp Genetics (formerly Invitae), Labcorp).